The following is an entry in ClinVar:

ClinVar aggregate classification (germline): Uncertain significance. Review status: criteria provided, multiple submitters, no conflicts (2 of 4 stars). 3 submissions from 3 submitters: Uncertain significance (3). Last evaluated 2025-08-22.

Conditions:
Fanconi anemia (FA). Also called: Fanconi's anemia. Identifiers: Orphanet 84, MedGen C0015625, MeSH D005199, MONDO:0019391.
Inborn genetic diseases. Identifiers: MedGen C0950123, MeSH D030342.
Fanconi anemia complementation group G. Also called: Fanconi anemia group G; FANCG-Related Fanconi Anemia. Identifiers: Orphanet 84, MedGen C3469527, MONDO:0013565, OMIM 614082.

Allele frequency attached by ClinVar (database versions not stated): gnomAD exomes below 0.00001; gnomAD 0.00002; TOPMed 0.00006.
gnomAD v4.1: 5 of 1,614,082 alleles (0.00031%); highest among the groups gnomAD compares: Admixed American, 0.0067%; no homozygotes.

Submissions (3):

Labcorp Genetics (formerly Invitae), Labcorp
Classification: Uncertain significance for Fanconi anemia. Last evaluated: 2025-08-22. Review status: criteria provided, single submitter. Criteria: Invitae Variant Classification Sherloc (09022015). Collection method: clinical testing. Allele origin: germline.
Comment: This sequence change replaces threonine, which is neutral and polar, with isoleucine, which is neutral and non-polar, at codon 222 of the FANCG protein (p.Thr222Ile). This variant is present in population databases (no rsID available, gnomAD no frequency). This variant has not been reported in the literature in individuals affected with FANCG-related conditions. ClinVar contains an entry for this variant (Variation ID: 2179636). Invitae Evidence Modeling of protein sequence and biophysical properties (such as structural, functional, and spatial information, amino acid conservation, physicochemical variation, residue mobility, and thermodynamic stability) indicates that this missense variant is not expected to disrupt FANCG protein function with a negative predictive value of 80%. In summary, the available evidence is currently insufficient to determine the role of this variant in disease. Therefore, it has been classified as a Variant of Uncertain Significance.

Ambry Genetics
Classification: Uncertain significance for Inborn genetic diseases. Last evaluated: 2024-11-23. Review status: criteria provided, single submitter. Criteria: Ambry Variant Classification Scheme 2023. Collection method: clinical testing. Allele origin: germline.
Comment: The p.T222I variant (also known as c.665C>T), located in coding exon 6 of the FANCG gene, results from a C to T substitution at nucleotide position 665. The threonine at codon 222 is replaced by isoleucine, an amino acid with similar properties. This amino acid position is conserved. In addition, this alteration is predicted to be tolerated by in silico analysis. Based on the available evidence, the clinical significance of this variant remains unclear.

Fulgent Genetics
Classification: Uncertain significance for Fanconi anemia complementation group G. Last evaluated: 2024-02-25. Review status: criteria provided, single submitter. Criteria: ACMG Guidelines, 2015. Collection method: clinical testing. Allele origin: germline.

NM_004629.2(FANCG):c.665C>T (p.Thr222Ile)

Gene: FANCG (FA complementation group G; minus strand). Cytogenetic location: 9p13.3.
Variant type: single nucleotide variant.
Coding change: c.665C>T on transcript NM_004629.2 (MANE Select); coding-DNA position 665, C replaced by T.
Protein change: p.Thr222Ile; replaces threonine 222 with isoleucine.
Molecular consequence: missense variant.
Genome position (GRCh38, 1-based): chr9:35,077,083, G>A on the plus strand (C>T on the coding strand, the complement: FANCG is on the minus strand). VCF-style: chr9-35077083-G-A. GRCh37 (hg19) VCF-style: chr9-35077080-G-A.
Other names: short protein forms T222I.
Identifiers: ClinVar variation 2179636 (VCV002179636.5), dbSNP rs920110478, ClinGen allele CA192694868.
Genomic context (GRCh38, chr9:35,077,083, plus strand): 5'-CGTGGACACAGGCCTGAGGCCGCTTCATGAAGGCTGCTTAGTGCCTTGTCTGGGTTCCCT[G>A]TGATCAGCTCCTGGAGACCTGAGGACAGTCAGGGTGTGAGCTTGGAGAGGGCTATAGAGC-3'
Protein context (NP_004620.1, residues 212-232): AYRQGLQELI[Thr222Ile]GNPDKALSSL